The following is an entry in ClinVar:

NM_001134407.3(GRIN2A):c.*722G>A

Gene: GRIN2A (glutamate ionotropic receptor NMDA type subunit 2A; minus strand). Cytogenetic location: 16p13.2.
Variant type: single nucleotide variant.
Coding change: c.*722G>A on transcript NM_001134407.3 (MANE Select); 722 bases downstream of the stop codon, G replaced by A.
Molecular consequence: 3 prime UTR variant.
Genome position (GRCh38, 1-based): chr16:9,762,427, C>T on the plus strand (G>A on the coding strand, the complement: GRIN2A is on the minus strand). VCF-style: chr16-9762427-C-T. GRCh37 (hg19) VCF-style: chr16-9856284-C-T.
Other names: c.*722G>A (NM_000833.5); c.*928G>A (NM_001134408.2).
Identifiers: ClinVar variation 321587 (VCV000321587.5), dbSNP rs569360567, ClinGen allele CA10649441.
Genomic context (GRCh38, chr16:9,762,427, plus strand): 5'-GTTTATGCAGCTCTGAACAAGACCATCGAAGCCGAGGGTGAGAGAAACACACATCAACAT[C>T]CAAAGAGATTCCTGTAGCTCTCCCCACCTGAGGGTCCCTCGGGCCTTTGGCTCCAGATGT-3'

ClinVar aggregate classification (germline): Benign (1 of 4 stars; one submission).

Conditions:
Landau-Kleffner syndrome (FESD). Also called: EPILEPSY, FOCAL, WITH SPEECH DISORDER AND WITH OR WITHOUT MENTAL RETARDATION; APHASIA, ACQUIRED, WITH EPILEPSY. Identifiers: Orphanet 1945, Orphanet 725, Orphanet 98818, MedGen C0282512, MONDO:0009509, OMIM 245570.

Allele frequency attached by ClinVar (database versions not stated): gnomAD 0.00001 and 0.00029; 1000 Genomes Project 30x 0.00156; TOPMed 0.00005; gnomAD exomes 0.00009; 1000 Genomes Project 0.00160.

Submission:

Illumina Laboratory Services, Illumina
Classification: Benign for Landau-Kleffner syndrome. Last evaluated: 2018-01-12. Review status: criteria provided, single submitter. Criteria: ICSL Variant Classification Criteria 13 December 2019. Collection method: clinical testing. Allele origin: germline.
Comment: This variant was observed in the ICSL laboratory as part of a predisposition screen in an ostensibly healthy population. It had not been previously curated by ICSL or reported in the Human Gene Mutation Database (HGMD: prior to June 1st, 2018), and was therefore a candidate for classification through an automated scoring system. Utilizing variant allele frequency, disease prevalence and penetrance estimates, and inheritance mode, an automated score was calculated to assess if this variant is too frequent to cause the disease. Based on the score and internal cut-off values, a variant classified as benign is not then subjected to further curation. The score for this variant resulted in a classification of benign for this disease.